The following is an entry in ClinVar:

ClinVar aggregate classification (germline): Uncertain significance. Review status: criteria provided, single submitter (1 of 4 stars). 2 submissions from 2 submitters: Uncertain significance (1). 1 of the submissions does not count toward it. Last evaluated 2022-05-20.

Conditions:
Primary ciliary dyskinesia. Also called: Ciliary dyskinesia. Identifiers: Orphanet 244, MedGen C0008780, MONDO:0016575, HP:0012265.

Allele frequency attached by ClinVar (database versions not stated): gnomAD exomes 0.00001.
gnomAD v4.1: 6 of 1,614,230 alleles (0.00037%); highest among the groups gnomAD compares: Admixed American, 0.01%; no homozygotes.

Submissions (2):

Labcorp Genetics (formerly Invitae), Labcorp
Classification: Uncertain significance for Primary ciliary dyskinesia. Last evaluated: 2022-05-20. Review status: criteria provided, single submitter. Criteria: Invitae Variant Classification Sherloc (09022015). Collection method: clinical testing. Allele origin: germline.
Comment: This sequence change replaces glutamic acid, which is acidic and polar, with glycine, which is neutral and non-polar, at codon 3281 of the DNAH5 protein (p.Glu3281Gly). In summary, the available evidence is currently insufficient to determine the role of this variant in disease. Therefore, it has been classified as a Variant of Uncertain Significance. Algorithms developed to predict the effect of missense changes on protein structure and function (SIFT, PolyPhen-2, Align-GVGD) all suggest that this variant is likely to be disruptive. This variant is present in population databases (no rsID available, gnomAD 0.02%). This variant has not been reported in the literature in individuals affected with DNAH5-related conditions.

Natera, Inc.
Classification: Uncertain significance for Primary ciliary dyskinesia. Last evaluated: 2025-03-31. Review status: no assertion criteria provided. Collection method: clinical testing. Allele origin: germline. Not counted in ClinVar's aggregate classification.

NM_001369.3(DNAH5):c.9842A>G (p.Glu3281Gly)

Gene: DNAH5 (dynein axonemal heavy chain 5; minus strand). Cytogenetic location: 5p15.2.
Variant type: single nucleotide variant.
Coding change: c.9842A>G on transcript NM_001369.3 (MANE Select); coding-DNA position 9842, A replaced by G.
Protein change: p.Glu3281Gly; replaces glutamic acid 3281 with glycine.
Molecular consequence: missense variant.
Genome position (GRCh38, 1-based): chr5:13,769,015, T>C on the plus strand (A>G on the coding strand, the complement: DNAH5 is on the minus strand). VCF-style: chr5-13769015-T-C. GRCh37 (hg19) VCF-style: chr5-13769124-T-C.
Other names: c.9842A>G (NM_001369.2); short protein forms E3281G.
Identifiers: ClinVar variation 2061218 (VCV002061218.5), dbSNP rs1202143637, ClinGen allele CA359201671.